The following is an entry in ClinVar:

NM_000088.4(COL1A1):c.1400G>A (p.Gly467Glu)

Gene: COL1A1 (collagen type I alpha 1 chain; minus strand). Cytogenetic location: 17q21.33.
Variant type: single nucleotide variant.
Coding change: c.1400G>A on transcript NM_000088.4 (MANE Select); coding-DNA position 1400, G replaced by A.
Protein change: p.Gly467Glu; replaces glycine 467 with glutamic acid.
Molecular consequence: missense variant.
Genome position (GRCh38, 1-based): chr17:50,194,782, C>T on the plus strand (G>A on the coding strand, the complement: COL1A1 is on the minus strand). VCF-style: chr17-50194782-C-T. GRCh37 (hg19) VCF-style: chr17-48272143-C-T.
Other names: short protein forms G467E.
Identifiers: ClinVar variation 1526274 (VCV001526274.3), dbSNP rs267604943, ClinGen allele CA291546314.

ClinVar aggregate classification (germline): Likely pathogenic (1 of 4 stars; one submission).

Conditions:
Infantile cortical hyperostosis. Also called: Hyperostosis, Cortical, Congenital; Caffey Disease; P1PK BLOOD GROUP SYSTEM, P(2) PHENOTYPE. Identifiers: Orphanet 1310, MedGen C0020497, MONDO:0007244, OMIM 114000.

Submission:

Dasa
Classification: Likely pathogenic for Infantile cortical hyperostosis. Last evaluated: 2022-03-25. Review status: criteria provided, single submitter. Criteria: ACMG Guidelines, 2015. Collection method: clinical testing. Allele origin: germline. Affected: yes. Observed: 1 variant allele.
Comment: The variant is located in a mutational hot spot and/or critical and well-established functional domain (Collagen) - PM1. This variant is not present in population databases (rs267604943- gnomAD; ABraOM no frequency.) - PM2. Missense variant in COL1A1 that has a low rate of benign missense variation and in which missense variants are a common mechanism of disease - PP2. Multiple lines of computational evidence support a deleterious effect on the gene or gene product - PP3. In summary, the currently available evidence indicates that the variant is likely pathogenic